The following is an entry in ClinVar:

NM_005655.4(KLF10):c.174A>C (p.Lys58Asn)

Gene: KLF10 (KLF transcription factor 10; minus strand). Cytogenetic location: 8q22.3.
Variant type: single nucleotide variant.
Coding change: c.174A>C on transcript NM_005655.4 (MANE Select); coding-DNA position 174, A replaced by C.
Protein change: p.Lys58Asn; replaces lysine 58 with asparagine.
Molecular consequence: missense variant. On other transcripts: non-coding transcript variant (2).
Genome position (GRCh38, 1-based): chr8:102,652,260, T>G on the plus strand (A>C on the coding strand, the complement: KLF10 is on the minus strand). VCF-style: chr8-102652260-T-G. GRCh37 (hg19) VCF-style: chr8-103664488-T-G.
Other names: c.174A>C (NM_005655.2); c.141A>C, p.Lys47Asn (NM_001032282.4); short protein forms K47N, K58N.
Identifiers: ClinVar variation 1382577 (VCV001382577.7), dbSNP rs147670106, ClinGen allele CA4833680.

ClinVar aggregate classification (germline): Uncertain significance. Review status: criteria provided, multiple submitters, no conflicts (2 of 4 stars). 2 submissions from 2 submitters: Uncertain significance (2). Last evaluated 2025-11-12.

Allele frequency attached by ClinVar (database versions not stated): gnomAD exomes 0.00002 and 0.00004; ExAC 0.00005; gnomAD 0.00015; 1000 Genomes Project 0.00020; TOPMed 0.00022; 1000 Genomes Project 30x 0.00031; ESP Exome Variant Server 0.00046.

Submissions (2):

Labcorp Genetics (formerly Invitae), Labcorp
Classification: Uncertain significance. Last evaluated: 2025-11-12. Review status: criteria provided, single submitter. Criteria: Invitae Variant Classification Sherloc (09022015). Collection method: clinical testing. Allele origin: germline.
Comment: This sequence change replaces lysine, which is basic and polar, with asparagine, which is neutral and polar, at codon 58 of the KLF10 protein (p.Lys58Asn). This variant is present in population databases (rs147670106, gnomAD 0.07%), and has an allele count higher than expected for a pathogenic variant. This variant has not been reported in the literature in individuals affected with KLF10-related conditions. ClinVar contains an entry for this variant (Variation ID: 1382577). An algorithm developed to predict the effect of missense changes on protein structure and function (PolyPhen-2) suggests that this variant is likely to be disruptive. In summary, the available evidence is currently insufficient to determine the role of this variant in disease. Therefore, it has been classified as a Variant of Uncertain Significance.

Ambry Genetics
Classification: Uncertain significance. Last evaluated: 2025-09-25. Review status: criteria provided, single submitter. Criteria: Ambry Variant Classification Scheme 2023. Collection method: clinical testing. Allele origin: germline.